The following is an entry in ClinVar:

NM_000083.3(CLCN1):c.281A>T (p.Asp94Val)

Gene: CLCN1 (chloride voltage-gated channel 1; plus strand). Cytogenetic location: 7q34.
Variant type: single nucleotide variant.
Coding change: c.281A>T on transcript NM_000083.3 (MANE Select); coding-DNA position 281, A replaced by T.
Protein change: p.Asp94Val; replaces aspartic acid 94 with valine.
Molecular consequence: missense variant. On other transcripts: non-coding transcript variant (1).
Genome position (GRCh38, 1-based): chr7:143,319,855, A>T. VCF-style: chr7-143319855-A-T. GRCh37 (hg19) VCF-style: chr7-143016948-A-T.
Other names: short protein forms D94V.
Identifiers: ClinVar variation 804705 (VCV000804705.7), dbSNP rs1586483178, ClinGen allele CA369681045.
Genomic context (GRCh38, chr7:143,319,855, plus strand): 5'-AGGACATAGGGATGCCCAAGAAGACAGGCTCCAGTTCTACCGTGGACAGCAAGGATGAGG[A>T]TCACTATTCTAAATGTCAAGGTGATGGGGACTGAGGAATAAAGAAATCTGGAGTAGAAAC-3'
Protein context (NP_000074.3, residues 84-104): SSSTVDSKDE[Asp94Val]HYSKCQDCIH

ClinVar aggregate classification (germline): Uncertain significance. Review status: criteria provided, multiple submitters, no conflicts (2 of 4 stars). 3 submissions from 3 submitters: Uncertain significance (3). Last evaluated 2024-10-23.

Conditions:
Congenital myotonia, autosomal recessive form. Also called: Becker Generalized Myotonia; myotonia congenita, autosomal recessive; BECKER DISEASE. Identifiers: Orphanet 614, MedGen C0751360, MONDO:0009715, OMIM 255700.
Congenital myotonia, autosomal dominant form (THD). Also called: THOMSEN DISEASE; Myotonia congenita autosomal dominant. Identifiers: Orphanet 614, MedGen C2936781, MONDO:0008055, OMIM 160800.

Allele frequency attached by ClinVar (database versions not stated): gnomAD exomes 0.00001.
gnomAD v4.1: 5 of 1,613,926 alleles (0.00031%); highest among the groups gnomAD compares: Non-Finnish European, 0.00042%; no homozygotes.

Submissions (3):

Athena Diagnostics
Classification: Uncertain significance. Last evaluated: 2024-10-23. Review status: criteria provided, single submitter. Criteria: Athena Diagnostics Criteria. Collection method: clinical testing. Allele origin: unknown.
Comment: Available data are insufficient to determine the clinical significance of the variant at this time. This variant has not been reported in large, multi-ethnic general populations. This variant has been identified in at least one individual with clinical features associated with this gene. Polyphen and MutationTaster predict this amino acid change may be benign.

Labcorp Genetics (formerly Invitae), Labcorp
Classification: Uncertain significance for Congenital myotonia, autosomal recessive form; Congenital myotonia, autosomal dominant form. Last evaluated: 2023-05-29. Review status: criteria provided, single submitter. Criteria: Invitae Variant Classification Sherloc (09022015). Collection method: clinical testing. Allele origin: germline.
Comment: This variant has not been reported in the literature in individuals affected with CLCN1-related conditions. This variant is not present in population databases (gnomAD no frequency). This sequence change replaces aspartic acid, which is acidic and polar, with valine, which is neutral and non-polar, at codon 94 of the CLCN1 protein (p.Asp94Val). Algorithms developed to predict the effect of sequence changes on RNA splicing suggest that this variant may disrupt the consensus splice site. ClinVar contains an entry for this variant (Variation ID: 804705). Advanced modeling of protein sequence and biophysical properties (such as structural, functional, and spatial information, amino acid conservation, physicochemical variation, residue mobility, and thermodynamic stability) has been performed at Invitae for this missense variant, however the output from this modeling did not meet the statistical confidence thresholds required to predict the impact of this variant on CLCN1 protein function. In summary, the available evidence is currently insufficient to determine the role of this variant in disease. Therefore, it has been classified as a Variant of Uncertain Significance. This variant disrupts the p.Asp94 amino acid residue in CLCN1. Other variant(s) that disrupt this residue have been determined to be pathogenic (PMID: 31566103, 31567646). This suggests that this residue is clinically significant, and that variants that disrupt this residue are likely to be disease-causing.

Revvity Omics, Revvity
Classification: Uncertain significance. Last evaluated: 2019-05-01. Review status: criteria provided, single submitter. Criteria: ACMG Guidelines, 2015. Collection method: clinical testing. Allele origin: germline.

Literature cited by the submitters: PubMed 31566103 (cited by Labcorp Genetics (formerly Invitae), Labcorp); PubMed 31567646 (cited by Labcorp Genetics (formerly Invitae), Labcorp).